The following is an entry in ClinVar:

ClinVar aggregate classification (germline): Uncertain significance (1 of 4 stars; one submission).

Conditions:
Galactosylceramide beta-galactosidase deficiency. Also called: Leukodystrophy, Globoid Cell; Krabbe Disease; GALACTOCEREBROSIDASE DEFICIENCY; GALC DEFICIENCY; GLOBOID CELL LEUKOENCEPHALOPATHY. Identifiers: Orphanet 487, MedGen C0023521, MONDO:0009499, OMIM 245200.

Submission:

Labcorp Genetics (formerly Invitae), Labcorp
Classification: Uncertain significance for Galactosylceramide beta-galactosidase deficiency. Last evaluated: 2023-01-29. Review status: criteria provided, single submitter. Criteria: Invitae Variant Classification Sherloc (09022015). Collection method: clinical testing. Allele origin: germline.
Comment: This variant has not been reported in the literature in individuals affected with GALC-related conditions. This variant is not present in population databases (gnomAD no frequency). This sequence change replaces arginine, which is basic and polar, with glycine, which is neutral and non-polar, at codon 69 of the GALC protein (p.Arg69Gly). Advanced modeling of protein sequence and biophysical properties (such as structural, functional, and spatial information, amino acid conservation, physicochemical variation, residue mobility, and thermodynamic stability) performed at Invitae indicates that this missense variant is expected to disrupt GALC protein function. In summary, the available evidence is currently insufficient to determine the role of this variant in disease. Therefore, it has been classified as a Variant of Uncertain Significance.

NM_000153.4(GALC):c.205C>G (p.Arg69Gly)

Gene: GALC (galactosylceramidase; minus strand). Cytogenetic location: 14q31.3.
Variant type: single nucleotide variant.
Coding change: c.205C>G on transcript NM_000153.4 (MANE Select); coding-DNA position 205, C replaced by G.
Protein change: p.Arg69Gly; replaces arginine 69 with glycine.
Molecular consequence: missense variant. On other transcripts: 5 prime UTR variant (4), non-coding transcript variant (1), intron variant (1).
Genome position (GRCh38, 1-based): chr14:87,988,514, G>C on the plus strand (C>G on the coding strand, the complement: GALC is on the minus strand). VCF-style: chr14-87988514-G-C. GRCh37 (hg19) VCF-style: chr14-88454858-G-C.
Other names: c.127C>G, p.Arg43Gly (NM_001201402.2); c.37C>G, p.Arg13Gly (NM_001424071.1, NM_001424072.1, NM_001424073.1); c.-144C>G (NM_001424074.1); c.-232C>G (NM_001424075.1); c.-463C>G (NM_001424076.1, NM_001424077.1); c.196-307C>G (NM_001201401.2); short protein forms R13G, R69G, R43G.
Identifiers: ClinVar variation 2976295 (VCV002976295.3), dbSNP rs771111145, ClinGen allele CA390753440.
Genomic context (GRCh38, chr14:87,988,514, plus strand): 5'-CCTTAAAGAGATAATCCAATATCTGAGAACGATAGGGCTCTGGGTAATTTACTAGAAGTC[G>C]GGAGGTTGCCTAAAAAAAAAAGTTTTCAAAAGTATGAATAAAAGAAATCCAGTCATGAAT-3'
Protein context (NP_000144.2, residues 59-79): GAVSGGGATS[Arg69Gly]LLVNYPEPYR